The following is an entry in ClinVar:

ClinVar aggregate classification (germline): Uncertain significance (1 of 4 stars; one submission).

Allele frequency attached by ClinVar (database versions not stated): ESP Exome Variant Server 0.00008.
gnomAD v4.1: 69 of 1,613,592 alleles (0.0043%); highest among the groups gnomAD compares: Non-Finnish European, 0.0053%; no homozygotes.

Submission:

Labcorp Genetics (formerly Invitae), Labcorp
Classification: Uncertain significance. Last evaluated: 2022-05-16. Review status: criteria provided, single submitter. Criteria: Invitae Variant Classification Sherloc (09022015). Collection method: clinical testing. Allele origin: germline.
Comment: In summary, the available evidence is currently insufficient to determine the role of this variant in disease. Therefore, it has been classified as a Variant of Uncertain Significance. Algorithms developed to predict the effect of sequence changes on RNA splicing suggest that this variant may create or strengthen a splice site. Algorithms developed to predict the effect of missense changes on protein structure and function (SIFT, PolyPhen-2, Align-GVGD) all suggest that this variant is likely to be tolerated. This variant has not been reported in the literature in individuals affected with ADAMTS13-related conditions. This variant is present in population databases (rs200645384, gnomAD 0.006%). This sequence change replaces asparagine, which is neutral and polar, with isoleucine, which is neutral and non-polar, at codon 1321 of the ADAMTS13 protein (p.Asn1321Ile).

NM_139027.6(ADAMTS13):c.3794A>T (p.Asn1265Ile)

Gene: ADAMTS13 (ADAM metallopeptidase with thrombospondin type 1 motif 13; plus strand). Cytogenetic location: 9q34.2.
Variant type: single nucleotide variant.
Coding change: c.3794A>T on transcript NM_139027.6 (MANE Select); coding-DNA position 3794, A replaced by T.
Protein change: p.Asn1265Ile; replaces asparagine 1265 with isoleucine.
Molecular consequence: missense variant.
Genome position (GRCh38, 1-based): chr9:133,457,979, A>T. VCF-style: chr9-133457979-A-T. GRCh37 (hg19) VCF-style: chr9-136323101-A-T.
Other names: c.3962A>T, p.Asn1321Ile (NM_139025.5); c.3701A>T, p.Asn1234Ile (NM_139026.6); short protein forms N1265I, N1321I, N1234I.
Identifiers: ClinVar variation 2179809 (VCV002179809.3), dbSNP rs200645384, ClinGen allele CA200946714.